The following is an entry in ClinVar:

NM_032043.3(BRIP1):c.3055G>T (p.Ala1019Ser)

Gene: BRIP1 (BRCA1 interacting DNA helicase 1; minus strand). Cytogenetic location: 17q23.2.
Variant type: single nucleotide variant.
Coding change: c.3055G>T on transcript NM_032043.3 (MANE Select); coding-DNA position 3055, G replaced by T.
Protein change: p.Ala1019Ser; replaces alanine 1019 with serine.
Molecular consequence: missense variant.
Genome position (GRCh38, 1-based): chr17:61,683,991, C>A on the plus strand (G>T on the coding strand, the complement: BRIP1 is on the minus strand). VCF-style: chr17-61683991-C-A. GRCh37 (hg19) VCF-style: chr17-59761352-C-A.
Other names: short protein forms A1019S.
Identifiers: ClinVar variation 4783542 (VCV004783542.1).

ClinVar aggregate classification (germline): Uncertain significance (1 of 4 stars; one submission).

Conditions:
Fanconi anemia complementation group J. Also called: BRIP1-Related Fanconi Anemia. Identifiers: Orphanet 84, MedGen C1836860, MONDO:0012187, OMIM 609054.
Familial cancer of breast. Also called: Hereditary breast cancer; hereditary breast carcinoma; BREAST CANCER, FAMILIAL. Identifiers: Orphanet 227535, MedGen C0346153, MONDO:0016419, OMIM 114480. Disease mechanism: loss of function.

Submission:

Labcorp Genetics (formerly Invitae), Labcorp
Classification: Uncertain significance for Familial cancer of breast; Fanconi anemia complementation group J. Last evaluated: 2026-01-13. Review status: criteria provided, single submitter. Criteria: Invitae Variant Classification Sherloc (09022015). Collection method: clinical testing. Allele origin: germline.
Comment: This sequence change replaces alanine, which is neutral and non-polar, with serine, which is neutral and polar, at codon 1019 of the BRIP1 protein (p.Ala1019Ser). This variant is not present in population databases (gnomAD no frequency). This variant has not been reported in the literature in individuals affected with BRIP1-related conditions. Invitae Evidence Modeling of protein sequence and biophysical properties (such as structural, functional, and spatial information, amino acid conservation, physicochemical variation, residue mobility, and thermodynamic stability) indicates that this missense variant is not expected to disrupt BRIP1 protein function with a negative predictive value of 95%. In summary, the available evidence is currently insufficient to determine the role of this variant in disease. Therefore, it has been classified as a Variant of Uncertain Significance.